The following is an entry in ClinVar:

ClinVar aggregate classification (germline): Conflicting classifications of pathogenicity. Review status: criteria provided, conflicting classifications (1 of 4 stars). 2 submissions from 2 submitters: Uncertain significance (1); Likely benign (1). Last evaluated 2023-02-11.

Conditions:
Autosomal recessive early-onset Parkinson disease 6 (PARK6). Also called: PINK1-Related Parkinson Disease; PARKINSON DISEASE 6, EARLY-ONSET; PINK1 Type of Young-Onset Parkinson Disease; PARKINSON DISEASE 6, MODIFIER OF. Identifiers: Orphanet 2828, MedGen C1853833, MONDO:0011613, OMIM 605909.

Allele frequency attached by ClinVar (database versions not stated): ExAC 0.00001; gnomAD exomes 0.00001 and 0.00002; TOPMed 0.00002.

Submissions (2):

Labcorp Genetics (formerly Invitae), Labcorp
Classification: Likely benign for Autosomal recessive early-onset Parkinson disease 6. Last evaluated: 2023-02-11. Review status: criteria provided, single submitter. Criteria: Invitae Variant Classification Sherloc (09022015). Collection method: clinical testing. Allele origin: germline.

Baylor Genetics
Classification: Uncertain significance for Autosomal recessive early-onset Parkinson disease 6. Last evaluated: 2020-06-15. Review status: criteria provided, single submitter. Criteria: ACMG Guidelines, 2015. Collection method: clinical testing. Allele origin: unknown. Affected: yes.
Comment: This variant was determined to be of uncertain significance according to ACMG Guidelines, 2015 [PMID:25741868].

NM_032409.3(PINK1):c.1123+19A>G

Genes: PINK1 (PTEN induced kinase 1; plus strand), PINK1-AS (PINK1 antisense RNA; minus strand). Cytogenetic location: 1p36.12.
Variant type: single nucleotide variant.
Coding change: c.1123+19A>G on transcript NM_032409.3 (MANE Select); 19 bases into the intron after coding-DNA position 1123, A replaced by G.
Molecular consequence: intron variant.
Genome position (GRCh38, 1-based): chr1:20,645,742, A>G. VCF-style: chr1-20645742-A-G. GRCh37 (hg19) VCF-style: chr1-20972235-A-G.
Identifiers: ClinVar variation 1030968 (VCV001030968.4), dbSNP rs762129771, ClinGen allele CA660699.